The following is an entry in ClinVar:

NM_001267550.2(TTN):c.76115dup (p.Asn25372fs)

Genes: TTN (titin; minus strand), TTN-AS1 (TTN antisense RNA 1; plus strand). Cytogenetic location: 2q31.2.
Variant type: Duplication.
Coding change: c.76115dup on transcript NM_001267550.2 (MANE Select); coding-DNA position 76115, one base duplicated (A; older notation c.76115dupA).
Protein change: p.Asn25372fs; shifts the reading frame from asparagine 25372.
Molecular consequence: frameshift variant.
Genome position (GRCh38, 1-based): chr2:178,570,017, T duplicated on the plus strand (A on the coding strand, the reverse complement: TTN is on the minus strand); the first of 4 consecutive T bases (chr2:178,570,017-178,570,020); duplicating any one gives the same sequence. VCF-style (leftmost placement, unchanged base first): chr2-178570016-A-AT. GRCh37 (hg19) VCF-style: chr2-179434743-A-AT.
Other names: c.71192dup, p.Asn23731fs (NM_001256850.1); c.48920dup, p.Asn16307fs (NM_003319.4); c.68411dup, p.Asn22804fs (NM_133378.4); c.49295dup, p.Asn16432fs (NM_133432.3); c.49496dup, p.Asn16499fs (NM_133437.4); c.71192dupA (NM_001256850.1); c.76115dupA (NM_001267550.2); c.76115dup (NM_001267550.1, LRG_391t1); and 2 more; short protein forms N16432fs, N22804fs, N25372fs, N16307fs, N16499fs, N23731fs.
Identifiers: ClinVar variation 223383 (VCV000223383.28), dbSNP rs774604740, ClinGen allele CA352449.

ClinVar aggregate classification (germline): Pathogenic/Likely pathogenic. Review status: criteria provided, multiple submitters, no conflicts (2 of 4 stars). 8 submissions from 7 submitters: Pathogenic (4); Likely pathogenic (3). 1 of the submissions does not count toward it. Last evaluated 2025-07-15.

Conditions:
Cardiomyopathy (CMYO). Also called: Cardiomyopathies. Identifiers: Orphanet 167848, MedGen C0878544, MONDO:0004994, HP:0001638. Inheritance: Various modes of inheritance.
Cardiovascular phenotype. Identifiers: MedGen CN230736.
TTN-related disorder. Also called: TTN-related disorders; TTN-related condition; TTN-related disease.
Dilated cardiomyopathy 1G (CMD1G). Identifiers: Orphanet 154, MedGen C1858763, MONDO:0011400, OMIM 604145.
Primary dilated cardiomyopathy (DCM). Also called: Dilated Cardiomyopathy. Identifiers: Orphanet 217604, MedGen C0007193, MeSH D002311, MONDO:0005021, HP:0001644. Inheritance: Various modes of inheritance.
Autosomal recessive limb-girdle muscular dystrophy type 2J (LGMDR10). Also called: Limb-girdle muscular dystrophy, type 2J; MUSCULAR DYSTROPHY, LIMB-GIRDLE, AUTOSOMAL RECESSIVE 10. Identifiers: Orphanet 140922, MedGen C1837342, MONDO:0012127, OMIM 608807.

Submissions (8):

Labcorp Genetics (formerly Invitae), Labcorp
Classification: Likely pathogenic for Dilated cardiomyopathy 1G; Autosomal recessive limb-girdle muscular dystrophy type 2J. Last evaluated: 2025-07-15. Review status: criteria provided, single submitter. Criteria: Invitae Variant Classification Sherloc (09022015). Collection method: clinical testing. Allele origin: germline.
Comment: This sequence change creates a premature translational stop signal (p.Asn25372Lysfs*5) in the TTN gene. While this is not anticipated to result in nonsense mediated decay, it is expected to create a truncated TTN protein. This variant is present in population databases (rs774604740, gnomAD 0.0009%). This premature translational stop signal has been observed in individual(s) with dilated cardiomyopathy (PMID: 25589632, 26406308, 29093449, 34587765). ClinVar contains an entry for this variant (Variation ID: 223383). This variant is located in the A band of TTN (PMID: 25589632). Truncating variants in this region are significantly overrepresented in patients affected with dilated cardiomyopathy (PMID: 25589632). Truncating variants in this region have also been reported in individuals affected with autosomal recessive centronuclear myopathy (PMID: 23975875). In summary, the currently available evidence indicates that the variant is pathogenic, but additional data are needed to prove that conclusively. Therefore, this variant has been classified as Likely Pathogenic.

GeneDx
Classification: Pathogenic. Last evaluated: 2025-06-12. Review status: criteria provided, single submitter. Criteria: GeneDx Variant Classification Process June 2021. Collection method: clinical testing. Allele origin: germline. Affected: yes.
Comment: Frameshift variant predicted to result in protein truncation or nonsense mediated decay in a gene for which loss of function is a known mechanism of disease; Located in the A-band, a region of TTN for which truncating variants are significantly associated with autosomal dominant cardiomyopathy and also with autosomal recessive skeletal myopathies (PMID: 22335739, 32778822); Identified in patients with DCM referred for genetic testing at GeneDx and in published literature (PMID: 25589632, 26406308, 29093449); Not observed at significant frequency in large population cohorts (gnomAD); Also known as c.76115dupA (p.Asn25372fs), p.N16499Kfs*5, and c.68408_68411del(A)4ins(A)5 (p.N22804K fs*5) due to the use of alternate transcripts and/or nomenclature; This variant is associated with the following publications: (PMID: 26406308, 34587765, 29093449, 34461741, 32815318, 33135063, 25589632, 22335739, 32778822)

Ambry Genetics
Classification: Pathogenic for Cardiovascular phenotype. Last evaluated: 2024-03-13. Review status: criteria provided, single submitter. Criteria: Ambry Variant Classification Scheme 2023. Collection method: clinical testing. Allele origin: germline.
Comment: The c.48920dupA pathogenic mutation, located in coding exon 153 of the TTN gene, results from a duplication of A at nucleotide position 48920, causing a translational frameshift with a predicted alternate stop codon (p.N16307Kfs*5). This exon is located in the A-band region of the N2-B isoform of the titin protein and is constitutively expressed in TTN transcripts (percent spliced in or PSI 100%). This variant (also referred to as p.Asn25372fs and p.N16499Kfs*5) was reported in individuals with features consistent with dilated cardiomyopathy (Roberts AM et al. Sci Transl Med, 2015 Jan;7:270ra6; Marston S et al. PLoS One, 2015 Sep;10:e0138568). This variant is considered to be rare based on population cohorts in the Genome Aggregation Database (gnomAD). This alteration is expected to result in loss of function by premature protein truncation or nonsense-mediated mRNA decay. While truncating variants in TTN are present in 1-3% of the general population, truncating variants in the A-band are the most common cause of dilated cardiomyopathy (DCM) (Herman DS et al. N. Engl. J. Med., 2012 Feb;366:619-28; Roberts AM et al. Sci Transl Med, 2015 Jan;7:270ra6). TTN truncating variants encoded in constitutive exons (PSI >90%) have been found to be significantly associated with DCM regardless of their position in titin (Schafer S et al. Nat. Genet., 2017 01;49:46-53). Based on the supporting evidence, this alteration is interpreted as a disease-causing mutation.

Blueprint Genetics
Classification: Pathogenic for TTN-related disorders. Last evaluated: 2023-12-11. Review status: criteria provided, single submitter. Criteria: ACMG Guidelines, 2015. Collection method: clinical testing. Allele origin: germline. Affected: yes. Observed: 1 variant allele.

CHEO Genetics Diagnostic Laboratory, Children's Hospital of Eastern Ontario
Classification: Pathogenic for Cardiomyopathy. Last evaluated: 2022-11-08. Review status: criteria provided, single submitter. Criteria: ACMG Guidelines, 2015. Collection method: clinical testing. Allele origin: germline.

Labcorp Genetics (formerly Invitae), Labcorp
Classification: Likely pathogenic for Dilated cardiomyopathy 1G. Last evaluated: 2016-08-30. Review status: criteria provided, single submitter. Criteria: Invitae Variant Classification Sherloc (09022015). Collection method: clinical testing. Allele origin: germline.
Comment: This sequence change inserts 1 nucleotide in exon 326 of the TTN mRNA (c.76115dupA), causing a frameshift at codon 25372. This creates a premature translational stop signal (p.Asn25372Lysfs*5) and is expected to result in an absent or disrupted protein product. This variant is found in the A-band of this gene. This particular variant was reported in an individual with dilated cardiomyopathy (PMID: 25589632). Truncating variants in the A-band of TTN are significantly overrepresented in patients with dilated cardiomyopathy and are considered to be likely pathogenic for the disease (PMID: 25589632). ClinVar contains an entry for this variant (Variation ID: 223383). For these reasons, this variant has been classified as Likely Pathogenic.

Cardiovascular Biomedical Research Unit, Royal Brompton & Harefield NHS Foundation Trust
Classification: Likely pathogenic for Primary dilated cardiomyopathy. Last evaluated: 2014-10-08. Review status: criteria provided, single submitter. Criteria: Roberts et al. 2015. Collection method: research. Allele origin: germline. Inheritance: Autosomal dominant inheritance. Affected: yes. Observed: 2 variant alleles. Study: Familial DCM.
Comment: This TTN truncating variant (TTNtv) was identified in two individuals in this cohort and is located in an exon that is highly expressed in the heart. In the seven cohorts assessed, TTNtv were found in 14% of ambulant DCM, 22% end-stage or familial DCM, and 2% controls. Heterozygous nonsense, frameshift and canonical splice-disrupting variants found in constitutive and other highly utilised exons are highly likely to be pathogenic when identified in individuals with phenotypically confirmed DCM. TTNtv found incidentally in healthy individuals (excluding familial assessment of DCM relatives) are thought to have low penetrance, particularly when identified in exons that are not constitutively expressed in the heart.

Cardiogenetics and Myogenetics Molecular and Cellular Functional Unit, Aphp Sorbonne University-Hopital Pitie Salpetriere
Classification: Likely pathogenic for Dilated cardiomyopathy 1G. Last evaluated: 2024-01-06. Review status: no assertion criteria provided. Collection method: clinical testing. Allele origin: germline. Affected: yes. Not counted in ClinVar's aggregate classification.

Literature cited by the submitters: PubMed 25589632 (cited by Labcorp Genetics (formerly Invitae), Labcorp and Ambry Genetics); PubMed 26406308 (cited by Labcorp Genetics (formerly Invitae), Labcorp and Ambry Genetics); PubMed 29093449 (cited by Labcorp Genetics (formerly Invitae), Labcorp and Ambry Genetics); PubMed 34587765 (cited by Labcorp Genetics (formerly Invitae), Labcorp and Ambry Genetics); PubMed 23975875 (cited by Labcorp Genetics (formerly Invitae), Labcorp).